The following is an entry in ClinVar:

ClinVar aggregate classification (germline): Likely benign. Review status: criteria provided, multiple submitters, no conflicts (2 of 4 stars). 3 submissions from 3 submitters: Likely benign (3). Last evaluated 2026-08-01.

Conditions:
Hereditary cancer-predisposing syndrome. Also called: Neoplastic Syndromes, Hereditary; Hereditary neoplastic syndrome; Tumor predisposition; Hereditary Cancer Syndrome. Identifiers: Orphanet 140162, MedGen C0027672, MeSH D009386, MONDO:0015356.
Parathyroid carcinoma (PRTC). Also called: Parathyroid gland carcinoma; CDC73-Related Parathyroid Carcinoma. Identifiers: Orphanet 143, MedGen C0687150, MONDO:0012004, OMIM 608266, HP:0006780.

Allele frequency attached by ClinVar (database versions not stated): gnomAD exomes below 0.00001; TOPMed below 0.00001; gnomAD 0.00001.
gnomAD v4.1: 2 of 1,613,870 alleles (0.00012%); highest among the groups gnomAD compares: Non-Finnish European, 0.00017%; no homozygotes.

Submissions (3):

CeGaT Center for Human Genetics Tuebingen
Classification: Likely benign. Last evaluated: 2026-08-01. Review status: criteria provided, single submitter. Criteria: CeGaT Center For Human Genetics Tuebingen Variant Classification Criteria Version 2. Collection method: clinical testing. Allele origin: germline. Affected: yes. Observed: 1 variant allele.
Comment: CDC73: BP4, BP7

Labcorp Genetics (formerly Invitae), Labcorp
Classification: Likely benign for Parathyroid carcinoma. Last evaluated: 2025-12-22. Review status: criteria provided, single submitter. Criteria: Invitae Variant Classification Sherloc (09022015). Collection method: clinical testing. Allele origin: germline.

Ambry Genetics
Classification: Likely benign for Hereditary cancer-predisposing syndrome. Last evaluated: 2021-03-04. Review status: criteria provided, single submitter. Criteria: Ambry Variant Classification Scheme 2023. Collection method: clinical testing. Allele origin: germline.

NM_024529.5(CDC73):c.654A>G (p.Val218=)

Gene: CDC73 (cell division cycle 73; plus strand). Cytogenetic location: 1q31.2.
Variant type: single nucleotide variant.
Coding change: c.654A>G on transcript NM_024529.5 (MANE Select); coding-DNA position 654, A replaced by G.
Protein change: p.Val218=; no amino-acid change (valine 218 retained).
Molecular consequence: synonymous variant.
Genome position (GRCh38, 1-based): chr1:193,141,991, A>G. VCF-style: chr1-193141991-A-G. GRCh37 (hg19) VCF-style: chr1-193111121-A-G.
Identifiers: ClinVar variation 1148896 (VCV001148896.12), dbSNP rs1675913850, ClinGen allele CA422345155.